The following is an entry in ClinVar:

NM_000626.4(CD79B):c.431-8_431-7delinsTG

Genes: CD79B (CD79b molecule; minus strand), GH-LCR (growth hormone locus control region; plus strand). Cytogenetic location: 17q23.3.
Variant type: Indel.
Coding change: c.431-8_431-7delinsTG on transcript NM_000626.4 (MANE Select); 8 bases into the intron before coding-DNA position 431 through 7 bases into the intron before coding-DNA position 431, CC replaced by TG.
Molecular consequence: intron variant.
Genome position (GRCh38, 1-based): chr17:63,929,895-63,929,896, GG replaced by CA on the plus strand (CC replaced by TG on the coding strand, the reverse complement: CD79B is on the minus strand). VCF-style: chr17-63929895-GG-CA. GRCh37 (hg19) VCF-style: chr17-62007255-GG-CA.
Other names: c.119-8_119-7delinsTG (NM_021602.4); c.122-8_122-7delinsTG (NM_001329050.2); c.434-8_434-7delinsTG (NM_001039933.3).
Identifiers: ClinVar variation 2196836 (VCV002196836.4), dbSNP rs2509267737, ClinGen allele CA2580094590.
Genomic context (GRCh38, chr17:63,929,895, plus strand): 5'-TGATACCATCCTTCAGCGTGTTCCTCTGCTTCAGCTGTGCCAAGGTGCTGAATCCTGCGG[GG>CA]ACAGGGGTGGGGTTGTGAGCCTGGGCCACAGTCCACCTTTTAGGCCTACAAGGGCAGCTC-3'

ClinVar aggregate classification (germline): Uncertain significance (1 of 4 stars; one submission).

Conditions:
Agammaglobulinemia 6, autosomal recessive (AGM6). Also called: AGAMMAGLOBULINEMIA 6; AGAMMAGLOBULINEMIA, AUTOSOMAL RECESSIVE, DUE TO CD79B DEFECT. Identifiers: MedGen C3150207, MONDO:0012987, OMIM 612692.

Submission:

Labcorp Genetics (formerly Invitae), Labcorp
Classification: Uncertain significance for Agammaglobulinemia 6, autosomal recessive. Last evaluated: 2022-06-19. Review status: criteria provided, single submitter. Criteria: Invitae Variant Classification Sherloc (09022015). Collection method: clinical testing. Allele origin: germline.
Comment: This variant has not been reported in the literature in individuals affected with CD79B-related conditions. In summary, the available evidence is currently insufficient to determine the role of this variant in disease. Therefore, it has been classified as a Variant of Uncertain Significance. Experimental studies and prediction algorithms are not available or were not evaluated, and the effect of this variant on mRNA splicing is currently unknown. Information on the frequency of this variant in the gnomAD database is not available, as this variant may be reported differently in the database. This sequence change falls in intron 3 of the CD79B gene. It does not directly change the encoded amino acid sequence of the CD79B protein.